The following is an entry in ClinVar:

ClinVar aggregate classification (germline): Uncertain significance. Review status: criteria provided, multiple submitters, no conflicts (2 of 4 stars). 2 submissions from 2 submitters: Uncertain significance (2). Last evaluated 2025-04-04.

Conditions:
Inborn genetic diseases. Identifiers: MedGen C0950123, MeSH D030342.

Allele frequency attached by ClinVar (database versions not stated): TOPMed 0.00003.
gnomAD v4.1: 41 of 1,576,548 alleles (0.0026%); highest among the groups gnomAD compares: Non-Finnish European, 0.0033%; no homozygotes.

Submissions (2):

Ambry Genetics
Classification: Uncertain significance for Inborn genetic diseases. Last evaluated: 2025-04-04. Review status: criteria provided, single submitter. Criteria: Ambry Variant Classification Scheme 2023. Collection method: clinical testing. Allele origin: germline.

Labcorp Genetics (formerly Invitae), Labcorp
Classification: Uncertain significance. Last evaluated: 2022-03-13. Review status: criteria provided, single submitter. Criteria: Invitae Variant Classification Sherloc (09022015). Collection method: clinical testing. Allele origin: germline.
Comment: This sequence change replaces glycine, which is neutral and non-polar, with arginine, which is basic and polar, at codon 9 of the DNAJC21 protein (p.Gly9Arg). The frequency data for this variant in the population databases is considered unreliable, as metrics indicate poor data quality at this position in the gnomAD database. This variant has not been reported in the literature in individuals affected with DNAJC21-related conditions. Algorithms developed to predict the effect of missense changes on protein structure and function are either unavailable or do not agree on the potential impact of this missense change (SIFT: "Tolerated"; PolyPhen-2: "Probably Damaging"; Align-GVGD: "Class C0"). In summary, the available evidence is currently insufficient to determine the role of this variant in disease. Therefore, it has been classified as a Variant of Uncertain Significance.

NM_001012339.3(DNAJC21):c.25G>A (p.Gly9Arg)

Genes: DNAJC21 (DnaJ heat shock protein family (Hsp40) member C21; plus strand), LOC129993792 (ATAC-STARR-seq lymphoblastoid silent region 15969; plus strand). Cytogenetic location: 5p13.2.
Variant type: single nucleotide variant.
Coding change: c.25G>A on transcript NM_001012339.3 (MANE Select); coding-DNA position 25, G replaced by A.
Protein change: p.Gly9Arg; replaces glycine 9 with arginine.
Molecular consequence: missense variant.
Genome position (GRCh38, 1-based): chr5:34,929,844, G>A. VCF-style: chr5-34929844-G-A. GRCh37 (hg19) VCF-style: chr5-34929949-G-A.
Other names: c.25G>A, p.Gly9Arg (NM_001348420.2, NM_194283.4); c.25G>A (NM_194283.3); short protein forms G9R.
Identifiers: ClinVar variation 2074816 (VCV002074816.2), dbSNP rs748031504, ClinGen allele CA116881039.